The following is an entry in ClinVar:

ClinVar aggregate classification (germline): Uncertain significance (0 of 4 stars; one submission).

Conditions:
SOX9-related disorder. Also called: SOX9-related condition.

Submission:

PreventionGenetics, part of Exact Sciences
Classification: Uncertain significance for SOX9-related condition. Last evaluated: 2024-07-25. Review status: no assertion criteria provided. Collection method: clinical testing. Allele origin: germline.
Comment: The SOX9 c.530G>C variant is predicted to result in the amino acid substitution p.Arg177Pro. To our knowledge, this variant has not been reported in the literature or in a large population database, indicating this variant is rare. A different variant affecting the same amino acid (p.Arg177Trp) has been reported in individuals with acamplomelic campomelic dysplasia (Table S1, Pode-Shakked. 2021. PubMed ID: 34580403; Table S2, Wei et al. 2021. PubMed ID: 32978145). This variant could be pathogenic. At this time, the clinical significance of this variant is uncertain due to the absence of conclusive functional and genetic evidence.

NM_000346.4(SOX9):c.530G>C (p.Arg177Pro)

Gene: SOX9 (SRY-box transcription factor 9; plus strand). Cytogenetic location: 17q24.3.
Variant type: single nucleotide variant.
Coding change: c.530G>C on transcript NM_000346.4 (MANE Select); coding-DNA position 530, G replaced by C.
Protein change: p.Arg177Pro; replaces arginine 177 with proline.
Molecular consequence: missense variant.
Genome position (GRCh38, 1-based): chr17:72,122,817, G>C. VCF-style: chr17-72122817-G-C. GRCh37 (hg19) VCF-style: chr17-70118958-G-C.
Other names: short protein forms R177P.
Identifiers: ClinVar variation 3346047 (VCV003346047.1).